The following is an entry in ClinVar:

ClinVar aggregate classification (germline): Uncertain significance. Review status: criteria provided, multiple submitters, no conflicts (2 of 4 stars). 2 submissions from 2 submitters: Uncertain significance (2). Last evaluated 2024-12-02.

Conditions:
Inborn genetic diseases. Identifiers: MedGen C0950123, MeSH D030342.

Allele frequency attached by ClinVar (database versions not stated): gnomAD exomes below 0.00001.

Submissions (2):

Labcorp Genetics (formerly Invitae), Labcorp
Classification: Uncertain significance. Last evaluated: 2024-12-02. Review status: criteria provided, single submitter. Criteria: Invitae Variant Classification Sherloc (09022015). Collection method: clinical testing. Allele origin: germline.
Comment: This sequence change replaces alanine, which is neutral and non-polar, with threonine, which is neutral and polar, at codon 44 of the ZNF335 protein (p.Ala44Thr). The frequency data for this variant in the population databases is considered unreliable, as metrics indicate poor data quality at this position in the gnomAD database. This variant has not been reported in the literature in individuals affected with ZNF335-related conditions. ClinVar contains an entry for this variant (Variation ID: 2288610). An algorithm developed to predict the effect of missense changes on protein structure and function outputs the following: PolyPhen-2: "Benign". The threonine amino acid residue is found in multiple mammalian species, which suggests that this missense change does not adversely affect protein function. In summary, the available evidence is currently insufficient to determine the role of this variant in disease. Therefore, it has been classified as a Variant of Uncertain Significance.

Ambry Genetics
Classification: Uncertain significance for Inborn genetic diseases. Last evaluated: 2022-05-11. Review status: criteria provided, single submitter. Criteria: Ambry Variant Classification Scheme 2023. Collection method: clinical testing. Allele origin: germline.

NM_022095.4(ZNF335):c.130G>A (p.Ala44Thr)

Gene: ZNF335 (zinc finger protein 335; minus strand). Cytogenetic location: 20q13.12.
Variant type: single nucleotide variant.
Coding change: c.130G>A on transcript NM_022095.4 (MANE Select); coding-DNA position 130, G replaced by A.
Protein change: p.Ala44Thr; replaces alanine 44 with threonine.
Molecular consequence: missense variant.
Genome position (GRCh38, 1-based): chr20:45,971,281, C>T on the plus strand (G>A on the coding strand, the complement: ZNF335 is on the minus strand). VCF-style: chr20-45971281-C-T. GRCh37 (hg19) VCF-style: chr20-44599920-C-T.
Other names: short protein forms A44T.
Identifiers: ClinVar variation 2288610 (VCV002288610.5), dbSNP rs1484947609, ClinGen allele CA409198971.